The following is an entry in ClinVar:

NM_001130987.2(DYSF):c.321_322del (p.Asp108fs)

Gene: DYSF (dysferlin; plus strand). Cytogenetic location: 2p13.2.
Variant type: Deletion.
Coding change: c.321_322del on transcript NM_001130987.2 (MANE Select); coding-DNA positions 321 to 322, 2 bases deleted (GG; older notation c.321_322delGG).
Protein change: p.Asp108fs; shifts the reading frame from aspartic acid 108.
Molecular consequence: frameshift variant.
Genome position (GRCh38, 1-based): chr2:71,503,295-71,503,296, GG deleted. VCF-style (leftmost placement, unchanged base first): chr2-71503294-TGG-T. GRCh37 (hg19) VCF-style: chr2-71730424-TGG-T.
Other names: c.321_322del, p.Asp108fs (NM_001130455.2, NM_001130982.2, NM_001130983.2 and 3 more transcripts); c.318_319del, p.Asp107fs (NM_001130976.2, NM_001130977.2, NM_001130978.2 and 4 more transcripts); short protein forms D107fs, D108fs.
Identifiers: ClinVar variation 1724993 (VCV001724993.3), dbSNP rs2545295529, ClinGen allele CA2580067775.

ClinVar aggregate classification (germline): Likely pathogenic (1 of 4 stars; one submission).

Conditions:
Autosomal recessive limb-girdle muscular dystrophy. Identifiers: Orphanet 102015, MedGen C2931907, MONDO:0015152.

Submission:

Myriad Genetics, Inc.
Classification: Likely pathogenic for Autosomal recessive limb-girdle muscular dystrophy. Last evaluated: 2022-03-04. Review status: criteria provided, single submitter. Criteria: Myriad Autosomal Dominant, Autosomal Recessive and X-Linked Classification Criteria (2023). Collection method: clinical testing. Allele origin: unknown.
Comment: NM_003494.3(DYSF):c.318_319delGG(D107Hfs*40) is expected to be pathogenic in the context of dysferlinopathy. This variant is predicted to lead to an abnormal or absent protein product due to the creation of a premature termination codon in DYSF, a gene where loss-of-function variants are known to be pathogenic. Please note: this variant was assessed in the context of healthy population screening.